The following is an entry in ClinVar:

NM_145046.5(CALR3):c.1058A>G (p.Lys353Arg)

Gene: CALR3 (calreticulin 3; minus strand). Cytogenetic location: 19p13.11.
Variant type: single nucleotide variant.
Coding change: c.1058A>G on transcript NM_145046.5 (MANE Select); coding-DNA position 1058, A replaced by G.
Protein change: p.Lys353Arg; replaces lysine 353 with arginine.
Molecular consequence: missense variant.
Genome position (GRCh38, 1-based): chr19:16,479,228, T>C on the plus strand (A>G on the coding strand, the complement: CALR3 is on the minus strand). VCF-style: chr19-16479228-T-C. GRCh37 (hg19) VCF-style: chr19-16590039-T-C.
Other names: c.1058A>G (NM_145046.3); short protein forms K353R.
Identifiers: ClinVar variation 2169185 (VCV002169185.5), dbSNP rs1389735275, ClinGen allele CA404605184.

ClinVar aggregate classification (germline): Uncertain significance. Review status: criteria provided, multiple submitters, no conflicts (2 of 4 stars). 2 submissions from 2 submitters: Uncertain significance (2). Last evaluated 2025-03-01.

Conditions:
Hypertrophic cardiomyopathy 19. Also called: Familial hypertrophic cardiomyopathy 19. Identifiers: MedGen CN077603, MONDO:0013476.

Allele frequency attached by ClinVar (database versions not stated): gnomAD exomes below 0.00001.
gnomAD v4.1: 3 of 1,614,112 alleles (0.00019%); highest among the groups gnomAD compares: Admixed American, 0.0033%; no homozygotes.

Submissions (2):

Ambry Genetics
Classification: Uncertain significance. Last evaluated: 2025-03-01. Review status: criteria provided, single submitter. Criteria: Ambry Variant Classification Scheme 2023. Collection method: clinical testing. Allele origin: germline.

Labcorp Genetics (formerly Invitae), Labcorp
Classification: Uncertain significance for Hypertrophic cardiomyopathy 19. Last evaluated: 2025-02-28. Review status: criteria provided, single submitter. Criteria: Invitae Variant Classification Sherloc (09022015). Collection method: clinical testing. Allele origin: germline.
Comment: This sequence change replaces lysine, which is basic and polar, with arginine, which is basic and polar, at codon 353 of the CALR3 protein (p.Lys353Arg). This variant is present in population databases (no rsID available, gnomAD 0.006%). This variant has not been reported in the literature in individuals affected with CALR3-related conditions. ClinVar contains an entry for this variant (Variation ID: 2169185). Invitae Evidence Modeling of protein sequence and biophysical properties (such as structural, functional, and spatial information, amino acid conservation, physicochemical variation, residue mobility, and thermodynamic stability) indicates that this missense variant is not expected to disrupt CALR3 protein function with a negative predictive value of 80%. In summary, the available evidence is currently insufficient to determine the role of this variant in disease. Therefore, it has been classified as a Variant of Uncertain Significance.